The following is an entry in ClinVar:

ClinVar aggregate classification (germline): Conflicting classifications of pathogenicity. Review status: criteria provided, conflicting classifications (1 of 4 stars). 7 submissions from 7 submitters: Uncertain significance (1); Likely benign (4). 2 of the submissions do not count toward it. Last evaluated 2026-06-01.

Allele frequency attached by ClinVar (database versions not stated): 1000 Genomes Project 0.00100; 1000 Genomes Project 30x 0.00141; ExAC 0.00291; gnomAD exomes 0.00293 and 0.00572; TOPMed 0.00316; gnomAD 0.00337 and 0.00347; ESP Exome Variant Server 0.00385.
gnomAD v4.1: 8,872 of 1,613,832 alleles (0.55%); highest among the groups gnomAD compares: Non-Finnish European, 0.69%; 41 homozygotes.

Submissions (7):

CeGaT Center for Human Genetics Tuebingen
Classification: Likely benign. Last evaluated: 2026-06-01. Review status: criteria provided, single submitter. Criteria: CeGaT Center For Human Genetics Tuebingen Variant Classification Criteria Version 2. Collection method: clinical testing. Allele origin: germline. Affected: yes. Observed: 12 variant alleles.
Comment: TENM4: BS2

Mayo Clinic Laboratories, Mayo Clinic
Classification: Likely benign. Last evaluated: 2025-08-01. Review status: criteria provided, single submitter. Criteria: ACMG Guidelines, 2015. Collection method: clinical testing. Allele origin: germline. Observed: 6 variant alleles.
Comment: BS1, BS2

Blueprint Genetics
Classification: Likely benign. Last evaluated: 2024-11-25. Review status: criteria provided, single submitter. Criteria: ACMG Guidelines, 2015. Collection method: clinical testing. Allele origin: germline.

Ambry Genetics
Classification: Uncertain significance. Last evaluated: 2021-07-28. Review status: criteria provided, single submitter. Criteria: Ambry Variant Classification Scheme 2023. Collection method: clinical testing. Allele origin: germline.

Labcorp Genetics (formerly Invitae), Labcorp
Classification: Likely benign. Last evaluated: 2019-12-31. Review status: criteria provided, single submitter. Criteria: Invitae Variant Classification Sherloc (09022015). Collection method: clinical testing. Allele origin: germline.

Clinical Genetics DNA and cytogenetics Diagnostics Lab, Erasmus MC, Erasmus Medical Center
Classification: Likely benign. Review status: no assertion criteria provided. Collection method: clinical testing. Allele origin: germline. Affected: yes. Study: VKGL Data-share Consensus. Not counted in ClinVar's aggregate classification.

Laboratory of Diagnostic Genome Analysis, Leiden University Medical Center (LUMC)
Classification: Likely benign. Review status: no assertion criteria provided. Collection method: clinical testing. Allele origin: germline. Affected: yes. Study: VKGL Data-share Consensus. Not counted in ClinVar's aggregate classification.

NM_001098816.3(TENM4):c.2804C>G (p.Pro935Arg)

Gene: TENM4 (teneurin transmembrane protein 4; minus strand). Cytogenetic location: 11q14.1.
Variant type: single nucleotide variant.
Coding change: c.2804C>G on transcript NM_001098816.3 (MANE Select); coding-DNA position 2804, C replaced by G.
Protein change: p.Pro935Arg; replaces proline 935 with arginine.
Molecular consequence: missense variant.
Genome position (GRCh38, 1-based): chr11:78,738,523, G>C on the plus strand (C>G on the coding strand, the complement: TENM4 is on the minus strand). VCF-style: chr11-78738523-G-C. GRCh37 (hg19) VCF-style: chr11-78449568-G-C.
Other names: p.Pro935Arg; short protein forms P935R.
Identifiers: ClinVar variation 708690 (VCV000708690.35), dbSNP rs141706152, ClinGen allele CA6207194.
Genomic context (GRCh38, chr11:78,738,523, plus strand): 5'-CTGCTGATTGTATATCCAAAGAGAGGGTTATTGACAAAACTGATGTTCACACCAACCAGG[G>C]GGGTTCCATCTGATGTCATCACTTGGCCACGAATAACACAAGCATGCCTGTGGGAAGAGA-3'
Protein context (NP_001092286.2, residues 925-945): RGQVMTSDGT[Pro935Arg]LVGVNISFVN